The following is an entry in ClinVar:

NM_000059.4(BRCA2):c.7274A>G (p.Asn2425Ser)

Gene: BRCA2 (BRCA2 DNA repair associated; plus strand). Cytogenetic location: 13q13.1.
Variant type: single nucleotide variant.
Coding change: c.7274A>G on transcript NM_000059.4 (MANE Select); coding-DNA position 7274, A replaced by G.
Protein change: p.Asn2425Ser; replaces asparagine 2425 with serine.
Molecular consequence: missense variant. On other transcripts: non-coding transcript variant (1).
Genome position (GRCh38, 1-based): chr13:32,355,127, A>G. VCF-style: chr13-32355127-A-G. GRCh37 (hg19) VCF-style: chr13-32929264-A-G.
Other names: c.7178A>G, p.Asn2393Ser (NM_001406719.1); c.7274A>G, p.Asn2425Ser (NM_001406720.1, NM_001432077.1); c.2342A>G, p.Asn781Ser (NM_001406721.1); c.857A>G, p.Asn286Ser (NM_001406722.1); short protein forms N2393S, N286S, N781S, N2425S.
Identifiers: ClinVar variation 3825440 (VCV003825440.1).

ClinVar aggregate classification (germline): Uncertain significance (1 of 4 stars; one submission).

Conditions:
Hereditary cancer-predisposing syndrome. Also called: Hereditary neoplastic syndrome; Neoplastic Syndromes, Hereditary; Tumor predisposition; Hereditary Cancer Syndrome. Identifiers: Orphanet 140162, MedGen C0027672, MeSH D009386, MONDO:0015356.

Submission:

Ambry Genetics
Classification: Uncertain significance for Hereditary cancer-predisposing syndrome. Last evaluated: 2025-02-05. Review status: criteria provided, single submitter. Criteria: Ambry Variant Classification Scheme 2023. Collection method: clinical testing. Allele origin: germline.
Comment: The p.N2425S variant (also known as c.7274A>G), located in coding exon 13 of the BRCA2 gene, results from an A to G substitution at nucleotide position 7274. The asparagine at codon 2425 is replaced by serine, an amino acid with highly similar properties. This amino acid position is not well conserved in available vertebrate species. In addition, this alteration is predicted to be tolerated by in silico analysis. Based on the available evidence, the clinical significance of this variant remains unclear.